The following is an entry in ClinVar:

ClinVar aggregate classification (germline): Uncertain significance (1 of 4 stars; one submission).

Submission:

CeGaT Center for Human Genetics Tuebingen
Classification: Uncertain significance. Last evaluated: 2023-08-01. Review status: criteria provided, single submitter. Criteria: CeGaT Center For Human Genetics Tuebingen Variant Classification Criteria Version 2. Collection method: clinical testing. Allele origin: germline. Affected: yes. Observed: 1 variant allele.
Comment: COL4A2: PM2, BP4

NM_001846.4(COL4A2):c.1340-4C>G

Genes: COL4A2 (collagen type IV alpha 2 chain; plus strand), COL4A2-AS2 (COL4A2 antisense RNA 2; minus strand). Cytogenetic location: 13q34.
Variant type: single nucleotide variant.
Coding change: c.1340-4C>G on transcript NM_001846.4 (MANE Select); 4 bases into the intron before coding-DNA position 1340, C replaced by G.
Molecular consequence: intron variant. On other transcripts: non-coding transcript variant (1).
Genome position (GRCh38, 1-based): chr13:110,457,339, C>G. VCF-style: chr13-110457339-C-G. GRCh37 (hg19) VCF-style: chr13-111109686-C-G.
Identifiers: ClinVar variation 2643952 (VCV002643952.24), dbSNP rs928297392, ClinGen allele CA484796398.